The following is an entry in ClinVar:

NM_152305.3(POGLUT1):c.467A>G (p.Tyr156Cys)

Gene: POGLUT1 (protein O-glucosyltransferase 1; plus strand). Cytogenetic location: 3q13.33.
Variant type: single nucleotide variant.
Coding change: c.467A>G on transcript NM_152305.3 (MANE Select); coding-DNA position 467, A replaced by G.
Protein change: p.Tyr156Cys; replaces tyrosine 156 with cysteine.
Molecular consequence: missense variant. On other transcripts: non-coding transcript variant (1).
Genome position (GRCh38, 1-based): chr3:119,480,061, A>G. VCF-style: chr3-119480061-A-G. GRCh37 (hg19) VCF-style: chr3-119198908-A-G.
Other names: c.467A>G, p.Tyr156Cys (NM_020231.3); c.467A>G (NM_152305.2); short protein forms Y156C.
Identifiers: ClinVar variation 2843927 (VCV002843927.4), dbSNP rs1368042938, ClinGen allele CA354041519.

ClinVar aggregate classification (germline): Uncertain significance. Review status: criteria provided, multiple submitters, no conflicts (2 of 4 stars). 2 submissions from 2 submitters: Uncertain significance (2). Last evaluated 2025-10-09.

Conditions:
Inborn genetic diseases. Identifiers: MedGen C0950123, MeSH D030342.

Allele frequency attached by ClinVar (database versions not stated): gnomAD exomes below 0.00001; TOPMed 0.00002.
gnomAD v4.1: 2 of 1,613,728 alleles (0.00012%); highest among the groups gnomAD compares: Non-Finnish European, 0.000085%; no homozygotes.

Submissions (2):

Labcorp Genetics (formerly Invitae), Labcorp
Classification: Uncertain significance. Last evaluated: 2025-10-09. Review status: criteria provided, single submitter. Criteria: Invitae Variant Classification Sherloc (09022015). Collection method: clinical testing. Allele origin: germline.
Comment: This sequence change replaces tyrosine, which is neutral and polar, with cysteine, which is neutral and slightly polar, at codon 156 of the POGLUT1 protein (p.Tyr156Cys). This variant is present in population databases (no rsID available, gnomAD 0.0009%). This variant has not been reported in the literature in individuals affected with POGLUT1-related conditions. ClinVar contains an entry for this variant (Variation ID: 2843927). Invitae Evidence Modeling of protein sequence and biophysical properties (such as structural, functional, and spatial information, amino acid conservation, physicochemical variation, residue mobility, and thermodynamic stability) indicates that this missense variant is expected to disrupt POGLUT1 protein function with a positive predictive value of 80%. In summary, the available evidence is currently insufficient to determine the role of this variant in disease. Therefore, it has been classified as a Variant of Uncertain Significance.

Ambry Genetics
Classification: Uncertain significance for Inborn genetic diseases. Last evaluated: 2025-06-18. Review status: criteria provided, single submitter. Criteria: Ambry Variant Classification Scheme 2023. Collection method: clinical testing. Allele origin: germline.